The following is an entry in ClinVar:

ClinVar aggregate classification (germline): Benign. Review status: reviewed by expert panel (3 of 4 stars). 2 submissions from 2 submitters: Benign (1). 1 of the submissions does not count toward it. Last evaluated 2015-01-12.

Conditions:
Breast-ovarian cancer, familial, susceptibility to, 1 (BROVCA1). Also called: BRCA1 Hereditary Breast and Ovarian Cancer; OVARIAN CANCER, SUSCEPTIBILITY TO. Identifiers: Orphanet 145, MedGen C2676676, MONDO:0011450, OMIM 604370. Disease mechanism: loss of function.

Allele frequency attached by ClinVar (database versions not stated): gnomAD 0.48724 and 0.49117; TOPMed 0.49099; 1000 Genomes Project 0.53774; 1000 Genomes Project 30x 0.54169.
gnomAD v4.1: 72,909 of 150,134 alleles (49%); highest among the groups gnomAD compares: African/African-American, 82%; 21,163 homozygotes.

Submissions (2):

Evidence-based Network for the Interpretation of Germline Mutant Alleles (ENIGMA)
Classification: Benign for Breast-ovarian cancer, familial 1. Last evaluated: 2015-01-12. Review status: reviewed by expert panel. Criteria: ENIGMA BRCA1/2 Classification Criteria (2015). Collection method: curation. Allele origin: germline.
Comment: Class 1 not pathogenic based on frequency >1% in an outbred sampleset. Frequency 0.3304 (Asian), 0.128 (African), 0.3694 (European), derived from 1000 genomes (2012-04-30).

Breakthrough Genomics
Classification: Benign. Review status: criteria provided, single submitter. Criteria: ACMG Guidelines, 2015. Collection method: not provided. Allele origin: germline. Inheritance: Autosomal recessive inheritance. Affected: yes. Not counted in ClinVar's aggregate classification.

NM_007294.4(BRCA1):c.5332+392C>T

Gene: BRCA1 (BRCA1 DNA repair associated; minus strand). Cytogenetic location: 17q21.31.
Variant type: single nucleotide variant.
Coding change: c.5332+392C>T on transcript NM_007294.4 (MANE Select); 392 bases into the intron after coding-DNA position 5332, C replaced by T.
Molecular consequence: intron variant.
Genome position (GRCh38, 1-based): chr17:43,050,671, G>A on the plus strand (C>T on the coding strand, the complement: BRCA1 is on the minus strand). VCF-style: chr17-43050671-G-A. GRCh37 (hg19) VCF-style: chr17-41202688-G-A.
Other names: IVS 21+392C>T; c.1813+392C>T (NM_001408479.1, NM_001408478.1, NM_001408480.1); c.5119+392C>T (NM_001407910.1, NM_001407904.1, NM_001407896.1 and 12 more transcripts); c.5122+392C>T (NM_001407884.1, NM_001407879.1, NM_001407882.1 and 5 more transcripts); c.5320+392C>T (NM_001407646.1); c.1894+392C>T (NM_001408445.1, NM_001408450.1, NM_001408447.1 and 2 more transcripts); c.1897+392C>T (NM_001408432.1, NM_001408443.1, NM_001408439.1 and 10 more transcripts); c.5203+392C>T (NM_001407689.1, NM_001407681.1, NM_001407687.1 and 6 more transcripts); and 75 more.
Identifiers: ClinVar variation 209256 (VCV000209256.3), dbSNP rs8070179, ClinGen allele CA276228.